The following is an entry in ClinVar:

NM_000548.5(TSC2):c.4002C>T (p.Ser1334=)

Gene: TSC2 (TSC complex subunit 2; plus strand). Cytogenetic location: 16p13.3.
Variant type: single nucleotide variant.
Coding change: c.4002C>T on transcript NM_000548.5 (MANE Select); coding-DNA position 4002, C replaced by T.
Protein change: p.Ser1334=; no amino-acid change (serine 1334 retained).
Molecular consequence: synonymous variant.
Genome position (GRCh38, 1-based): chr16:2,083,813, C>T. VCF-style: chr16-2083813-C-T. GRCh37 (hg19) VCF-style: chr16-2133814-C-T.
Other names: c.3801C>T, p.Ser1267= (NM_001077183.3); c.3933C>T, p.Ser1311= (NM_001114382.3); c.3693C>T, p.Ser1231= (NM_001318827.2); c.3657C>T, p.Ser1219= (NM_001318829.2); c.3270C>T, p.Ser1090= (NM_001318831.2); c.3834C>T, p.Ser1278= (NM_001318832.2); c.3804C>T, p.Ser1268= (NM_001363528.2); c.3870C>T, p.Ser1290= (NM_001370404.1); and 1 more.
Identifiers: ClinVar variation 405945 (VCV000405945.13), dbSNP rs1060500911, ClinGen allele CA16615019.

ClinVar aggregate classification (germline): Benign/Likely benign. Review status: criteria provided, multiple submitters, no conflicts (2 of 4 stars). 3 submissions from 3 submitters: Benign (1); Likely benign (2). Last evaluated 2025-06-02.

Conditions:
Hereditary cancer-predisposing syndrome. Also called: Tumor predisposition; Neoplastic Syndromes, Hereditary; Hereditary Cancer Syndrome; Hereditary neoplastic syndrome. Identifiers: Orphanet 140162, MedGen C0027672, MeSH D009386, MONDO:0015356.
Tuberous sclerosis 2 (TSC2). Identifiers: Orphanet 805, MedGen C1860707, MONDO:0013199, OMIM 613254.

Submissions (3):

Myriad Genetics, Inc.
Classification: Benign for Tuberous sclerosis 2. Last evaluated: 2025-06-02. Review status: criteria provided, single submitter. Criteria: Myriad Autosomal Dominant, Autosomal Recessive and X-Linked Classification Criteria (2023). Collection method: clinical testing. Allele origin: unknown.
Comment: This variant is considered benign. This variant is a silent/synonymous amino acid change and it is not expected to impact splicing.

Labcorp Genetics (formerly Invitae), Labcorp
Classification: Likely benign for Tuberous sclerosis 2. Last evaluated: 2023-11-02. Review status: criteria provided, single submitter. Criteria: Invitae Variant Classification Sherloc (09022015). Collection method: clinical testing. Allele origin: germline.

Ambry Genetics
Classification: Likely benign for Hereditary cancer-predisposing syndrome. Last evaluated: 2023-02-19. Review status: criteria provided, single submitter. Criteria: Ambry Variant Classification Scheme 2023. Collection method: clinical testing. Allele origin: germline.